The following is an entry in ClinVar:

ClinVar aggregate classification (germline): Benign/Likely benign. Review status: criteria provided, multiple submitters, no conflicts (2 of 4 stars). 9 submissions from 9 submitters: Benign (3); Likely benign (6). Last evaluated 2026-02-01.

Conditions:
Autoinflammatory syndrome. Identifiers: Orphanet 93665, MedGen C3890737, MONDO:0019751.
Pyogenic arthritis-pyoderma gangrenosum-acne syndrome (PAPA). Also called: FAMILIAL RECURRENT ARTHRITIS; PAPA SYNDROME. Identifiers: Orphanet 69126, MedGen C1858361, MONDO:0011462, OMIM 604416.

Allele frequency attached by ClinVar (database versions not stated): gnomAD exomes 0.00030 and 0.00074; ExAC 0.00096; gnomAD 0.00269 and 0.00284; ESP Exome Variant Server 0.00295; TOPMed 0.00319; 1000 Genomes Project 0.00339; 1000 Genomes Project 30x 0.00344.
gnomAD v4.1: 875 of 1,611,112 alleles (0.054%); highest among the groups gnomAD compares: African/African-American, 1%; 4 homozygotes.

Submissions (9):

Labcorp Genetics (formerly Invitae), Labcorp
Classification: Benign for Pyogenic arthritis-pyoderma gangrenosum-acne syndrome. Last evaluated: 2026-02-01. Review status: criteria provided, single submitter. Criteria: Invitae Variant Classification Sherloc (09022015). Collection method: clinical testing. Allele origin: germline.

Blueprint Genetics
Classification: Likely benign. Last evaluated: 2024-09-09. Review status: criteria provided, single submitter. Criteria: ACMG Guidelines, 2015. Collection method: clinical testing. Allele origin: germline.

ARUP Laboratories, Molecular Genetics and Genomics, ARUP Laboratories
Classification: Likely benign for Pyogenic arthritis-pyoderma gangrenosum-acne syndrome. Last evaluated: 2024-05-09. Review status: criteria provided, single submitter. Criteria: ARUP Molecular Germline Variant Investigation Process 2024. Collection method: clinical testing. Allele origin: germline.

CeGaT Center for Human Genetics Tuebingen
Classification: Benign. Last evaluated: 2022-08-01. Review status: criteria provided, single submitter. Criteria: CeGaT Center For Human Genetics Tuebingen Variant Classification Criteria Version 2. Collection method: clinical testing. Allele origin: germline. Affected: yes. Observed: 1 variant allele.
Comment: PSTPIP1: BS1, BS2

Fulgent Genetics
Classification: Likely benign for Pyogenic arthritis-pyoderma gangrenosum-acne syndrome. Last evaluated: 2021-11-26. Review status: criteria provided, single submitter. Criteria: ACMG Guidelines, 2015. Collection method: clinical testing. Allele origin: unknown.

Genome Diagnostics Laboratory, The Hospital for Sick Children
Classification: Likely benign for Autoinflammatory syndrome. Last evaluated: 2021-06-28. Review status: criteria provided, single submitter. Criteria: ACMG Guidelines, 2015. Collection method: clinical testing. Allele origin: germline. Affected: yes.

GeneDx
Classification: Likely benign. Last evaluated: 2020-01-23. Review status: criteria provided, single submitter. Criteria: GeneDx Variant Classification Process June 2021. Collection method: clinical testing. Allele origin: germline. Affected: yes.

Illumina Laboratory Services, Illumina
Classification: Benign for Pyogenic arthritis-pyoderma gangrenosum-acne syndrome. Last evaluated: 2018-01-12. Review status: criteria provided, single submitter. Criteria: ICSL Variant Classification Criteria 13 December 2019. Collection method: clinical testing. Allele origin: germline.
Comment: This variant was observed in the ICSL laboratory as part of a predisposition screen in an ostensibly healthy population. It had not been previously curated by ICSL or reported in the Human Gene Mutation Database (HGMD: prior to June 1st, 2018), and was therefore a candidate for classification through an automated scoring system. Utilizing variant allele frequency, disease prevalence and penetrance estimates, and inheritance mode, an automated score was calculated to assess if this variant is too frequent to cause the disease. Based on the score and internal cut-off values, a variant classified as benign is not then subjected to further curation. The score for this variant resulted in a classification of benign for this disease.

Breakthrough Genomics
Classification: Likely benign. Review status: criteria provided, single submitter. Criteria: ACMG Guidelines, 2015. Collection method: not provided. Allele origin: germline. Inheritance: Autosomal dominant inheritance. Affected: yes.

NM_003978.5(PSTPIP1):c.236C>T (p.Ser79Phe)

Gene: PSTPIP1 (proline-serine-threonine phosphatase interacting protein 1; plus strand). Cytogenetic location: 15q24.3.
Variant type: single nucleotide variant.
Coding change: c.236C>T on transcript NM_003978.5 (MANE Select); coding-DNA position 236, C replaced by T.
Protein change: p.Ser79Phe; replaces serine 79 with phenylalanine.
Molecular consequence: missense variant. On other transcripts: non-coding transcript variant (1).
Genome position (GRCh38, 1-based): chr15:77,025,307, C>T. VCF-style: chr15-77025307-C-T. GRCh37 (hg19) VCF-style: chr15-77317648-C-T.
Other names: c.236C>T, p.Ser79Phe (NM_001321135.2); c.209C>T, p.Ser70Phe (NM_001321136.2); c.431C>T, p.Ser144Phe (NM_001321137.1); short protein forms S79F, S70F, S144F.
Identifiers: ClinVar variation 242301 (VCV000242301.54), dbSNP rs77026017, ClinGen allele CA7675753.